The following is an entry in ClinVar:

ClinVar aggregate classification (germline): Conflicting classifications of pathogenicity. Review status: criteria provided, conflicting classifications (1 of 4 stars). 2 submissions from 2 submitters: Uncertain significance (1); Likely benign (1). Last evaluated 2025-07-01.

Submissions (2):

CeGaT Center for Human Genetics Tuebingen
Classification: Likely benign. Last evaluated: 2025-07-01. Review status: criteria provided, single submitter. Criteria: CeGaT Center For Human Genetics Tuebingen Variant Classification Criteria Version 2. Collection method: clinical testing. Allele origin: germline. Affected: yes. Observed: 1 variant allele.
Comment: AHNAK2: BP4, BS2

Ambry Genetics
Classification: Uncertain significance. Last evaluated: 2024-07-16. Review status: criteria provided, single submitter. Criteria: Ambry Variant Classification Scheme 2023. Collection method: clinical testing. Allele origin: germline.

NM_138420.4(AHNAK2):c.5569G>A (p.Val1857Met)

Gene: AHNAK2 (AHNAK nucleoprotein 2; minus strand). Cytogenetic location: 14q32.33.
Variant type: single nucleotide variant.
Coding change: c.5569G>A on transcript NM_138420.4 (MANE Select); coding-DNA position 5569, G replaced by A.
Protein change: p.Val1857Met; replaces valine 1857 with methionine.
Molecular consequence: missense variant.
Genome position (GRCh38, 1-based): chr14:104,949,882, C>T on the plus strand (G>A on the coding strand, the complement: AHNAK2 is on the minus strand). VCF-style: chr14-104949882-C-T. GRCh37 (hg19) VCF-style: chr14-105416219-C-T.
Other names: c.5269G>A, p.Val1757Met (NM_001350929.2); short protein forms V1757M, V1857M.
Identifiers: ClinVar variation 3510542 (VCV003510542.9).